The following is an entry in ClinVar:

NM_177438.3(DICER1):c.521T>G (p.Phe174Cys)

Gene: DICER1 (dicer 1, ribonuclease III; minus strand). Cytogenetic location: 14q32.13.
Variant type: single nucleotide variant.
Coding change: c.521T>G on transcript NM_177438.3 (MANE Select); coding-DNA position 521, T replaced by G.
Protein change: p.Phe174Cys; replaces phenylalanine 174 with cysteine.
Molecular consequence: missense variant.
Genome position (GRCh38, 1-based): chr14:95,130,110, A>C on the plus strand (T>G on the coding strand, the complement: DICER1 is on the minus strand). VCF-style: chr14-95130110-A-C. GRCh37 (hg19) VCF-style: chr14-95596447-A-C.
Other names: c.521T>G, p.Phe174Cys (NM_001195573.1, NM_001271282.3, NM_001291628.2 and 1 more transcripts); short protein forms F174C.
Identifiers: ClinVar variation 825562 (VCV000825562.13), dbSNP rs1595459011, ClinGen allele CA390888438.

ClinVar aggregate classification (germline): Uncertain significance. Review status: criteria provided, multiple submitters, no conflicts (2 of 4 stars). 2 submissions from 2 submitters: Uncertain significance (2). Last evaluated 2022-12-12.

Conditions:
DICER1-related tumor predisposition. Also called: DICER1-related pleuropulmonary blastoma cancer predisposition syndrome; DICER1 syndrome. Identifiers: Orphanet 284343, MedGen C3839822, MONDO:0100216.
Hereditary cancer-predisposing syndrome. Also called: Neoplastic Syndromes, Hereditary; Hereditary Cancer Syndrome; Hereditary neoplastic syndrome; Tumor predisposition. Identifiers: Orphanet 140162, MedGen C0027672, MeSH D009386, MONDO:0015356.

Submissions (2):

Ambry Genetics
Classification: Uncertain significance for Hereditary cancer-predisposing syndrome. Last evaluated: 2022-12-12. Review status: criteria provided, single submitter. Criteria: Ambry Variant Classification Scheme 2023. Collection method: clinical testing. Allele origin: germline.
Comment: The p.F174C variant (also known as c.521T>G), located in coding exon 4 of the DICER1 gene, results from a T to G substitution at nucleotide position 521. The phenylalanine at codon 174 is replaced by cysteine, an amino acid with highly dissimilar properties. This amino acid position is highly conserved in available vertebrate species. In addition, this alteration is predicted to be deleterious by in silico analysis. Since supporting evidence is limited at this time, the clinical significance of this alteration remains unclear.

Labcorp Genetics (formerly Invitae), Labcorp
Classification: Uncertain significance for DICER1-related tumor predisposition. Last evaluated: 2021-05-17. Review status: criteria provided, single submitter. Criteria: Invitae Variant Classification Sherloc (09022015). Collection method: clinical testing. Allele origin: germline.
Comment: In summary, the available evidence is currently insufficient to determine the role of this variant in disease. Therefore, it has been classified as a Variant of Uncertain Significance. This sequence change replaces phenylalanine with cysteine at codon 174 of the DICER1 protein (p.Phe174Cys). The phenylalanine residue is highly conserved and there is a large physicochemical difference between phenylalanine and cysteine. This variant is not present in population databases (ExAC no frequency). This variant has not been reported in the literature in individuals with DICER1-related conditions. ClinVar contains an entry for this variant (Variation ID: 825562). Algorithms developed to predict the effect of missense changes on protein structure and function (SIFT, PolyPhen-2, Align-GVGD) all suggest that this variant is likely to be disruptive, but these predictions have not been confirmed by published functional studies and their clinical significance is uncertain.